The following is an entry in ClinVar:

ClinVar aggregate classification (germline): Uncertain significance (1 of 4 stars; one submission).

Submission:

GeneDx
Classification: Uncertain significance. Last evaluated: 2025-06-24. Review status: criteria provided, single submitter. Criteria: GeneDx Variant Classification Process June 2021. Collection method: clinical testing. Allele origin: germline. Affected: yes.
Comment: Not observed at significant frequency in large population cohorts (gnomAD); In silico analysis supports that this missense variant has a deleterious effect on protein structure/function; Has not been previously published as pathogenic or benign to our knowledge

NM_001134407.3(GRIN2A):c.2415C>A (p.Asn805Lys)

Gene: GRIN2A (glutamate ionotropic receptor NMDA type subunit 2A; minus strand). Cytogenetic location: 16p13.2.
Variant type: single nucleotide variant.
Coding change: c.2415C>A on transcript NM_001134407.3 (MANE Select); coding-DNA position 2415, C replaced by A.
Protein change: p.Asn805Lys; replaces asparagine 805 with lysine.
Molecular consequence: missense variant.
Genome position (GRCh38, 1-based): chr16:9,769,031, G>T on the plus strand (C>A on the coding strand, the complement: GRIN2A is on the minus strand). VCF-style: chr16-9769031-G-T. GRCh37 (hg19) VCF-style: chr16-9862888-G-T.
Other names: c.2415C>A, p.Asn805Lys (NM_000833.5, NM_001134408.2); short protein forms N805K.
Identifiers: ClinVar variation 4539955 (VCV004539955.1).